The following is an entry in ClinVar:

ClinVar aggregate classification (germline): Uncertain significance (1 of 4 stars; one submission).

Conditions:
Long QT syndrome (LQTS). Identifiers: MedGen C0023976, MeSH D008133, MONDO:0002442. Disease mechanism: loss of function. Inheritance: Various modes of inheritance.

Submission:

Labcorp Genetics (formerly Invitae), Labcorp
Classification: Uncertain significance for Long QT syndrome. Last evaluated: 2022-03-30. Review status: criteria provided, single submitter. Criteria: Invitae Variant Classification Sherloc (09022015). Collection method: clinical testing. Allele origin: germline.
Comment: In summary, the available evidence is currently insufficient to determine the role of this variant in disease. Therefore, it has been classified as a Variant of Uncertain Significance. Algorithms developed to predict the effect of missense changes on protein structure and function (SIFT, PolyPhen-2, Align-GVGD) all suggest that this variant is likely to be tolerated. This variant has not been reported in the literature in individuals affected with CACNA1C-related conditions. This variant is not present in population databases (gnomAD no frequency). This sequence change replaces asparagine, which is neutral and polar, with lysine, which is basic and polar, at codon 1439 of the CACNA1C protein (p.Asn1439Lys).

NM_000719.7(CACNA1C):c.4317C>A (p.Asn1439Lys)

Gene: CACNA1C (calcium voltage-gated channel subunit alpha1 C; plus strand). Cytogenetic location: 12p13.33.
Variant type: single nucleotide variant.
Coding change: c.4317C>A on transcript NM_000719.7 (MANE Select); coding-DNA position 4317, C replaced by A.
Protein change: p.Asn1439Lys; replaces asparagine 1439 with lysine.
Molecular consequence: missense variant.
Genome position (GRCh38, 1-based): chr12:2,664,909, C>A. VCF-style: chr12-2664909-C-A. GRCh37 (hg19) VCF-style: chr12-2774075-C-A.
Other names: c.4461C>A, p.Asn1487Lys (NM_001129827.2, NM_199460.4); c.4383C>A, p.Asn1461Lys (NM_001129829.2); c.4317C>A, p.Asn1439Lys (NM_001129830.3, NM_001129833.2, NM_001129834.2 and 7 more transcripts); c.4401C>A, p.Asn1467Lys (NM_001129831.2); c.4377C>A, p.Asn1459Lys (NM_001129832.2); c.4368C>A, p.Asn1456Lys (NM_001129836.2); c.4284C>A, p.Asn1428Lys (NM_001129837.2, NM_001129838.2, NM_001129846.2 and 1 more transcripts); c.4278C>A, p.Asn1426Lys (NM_001129839.2); and 1 more; short protein forms N1426K, N1461K, N1436K, N1467K, N1428K, N1487K, N1439K, N1456K.
Identifiers: ClinVar variation 1990155 (VCV001990155.4), dbSNP rs183192651, ClinGen allele CA383375890.
Genomic context (GRCh38, chr12:2,664,909, plus strand): 5'-GGACATCATGCTGGCCTGCATGCCAGGCAAGAAGTGTGCCCCAGAGTCCGAGCCCAGCAA[C>A]AGCACGGAGGGTGAAACACCCTGTGGTAGCAGCTTTGCTGTCTTCTACTTCATCAGCTTC-3'
Protein context (NP_000710.5, residues 1429-1449): KKCAPESEPS[Asn1439Lys]STEGETPCGS